The following is an entry in ClinVar:

ClinVar aggregate classification (germline): Uncertain significance (1 of 4 stars; one submission).

Conditions:
Combined immunodeficiency with skin granulomas. Identifiers: Orphanet 157949, MedGen C2673536, MONDO:0009306, OMIM 233650.
Severe combined immunodeficiency, autosomal recessive, T cell-negative, B cell-negative, NK cell-positive. Also called: SCID, T CELL-NEGATIVE, B CELL-NEGATIVE, NK CELL-POSITIVE; SCID, AR, T-cell negative, B-cell negative, NK cell-positive; Severe combined immunodeficiency due to complete RAG1/2 deficiency. Identifiers: Orphanet 331206, MedGen C1832322, MONDO:0011086, OMIM 601457.

Allele frequency attached by ClinVar (database versions not stated): gnomAD exomes below 0.00001; ExAC 0.00001; gnomAD 0.00001; TOPMed 0.00001; ESP Exome Variant Server 0.00008.
gnomAD v4.1: 3 of 1,614,086 alleles (0.00019%); highest among the groups gnomAD compares: African/African-American, 0.004%; no homozygotes.

Submission:

Labcorp Genetics (formerly Invitae), Labcorp
Classification: Uncertain significance for Combined immunodeficiency with skin granulomas; Severe combined immunodeficiency, autosomal recessive, T cell-negative, B cell-negative, NK cell-positive. Last evaluated: 2021-01-15. Review status: criteria provided, single submitter. Criteria: Invitae Variant Classification Sherloc (09022015). Collection method: clinical testing. Allele origin: germline.
Comment: This variant is present in population databases (rs377252087, ExAC 0.01%). In summary, the available evidence is currently insufficient to determine the role of this variant in disease. Therefore, it has been classified as a Variant of Uncertain Significance. Advanced modeling of protein sequence and biophysical properties (such as structural, functional, and spatial information, amino acid conservation, physicochemical variation, residue mobility, and thermodynamic stability) performed at Invitae indicates that this missense variant is not expected to disrupt RAG1 protein function. This variant has not been reported in the literature in individuals with RAG1-related conditions. This sequence change replaces phenylalanine with cysteine at codon 746 of the RAG1 protein (p.Phe746Cys). The phenylalanine residue is moderately conserved and there is a large physicochemical difference between phenylalanine and cysteine.

NM_000448.3(RAG1):c.2237T>G (p.Phe746Cys)

Gene: RAG1 (recombination activating 1; plus strand). Cytogenetic location: 11p12.
Variant type: single nucleotide variant.
Coding change: c.2237T>G on transcript NM_000448.3 (MANE Select); coding-DNA position 2237, T replaced by G.
Protein change: p.Phe746Cys; replaces phenylalanine 746 with cysteine.
Molecular consequence: missense variant.
Genome position (GRCh38, 1-based): chr11:36,575,541, T>G. VCF-style: chr11-36575541-T-G. GRCh37 (hg19) VCF-style: chr11-36597091-T-G.
Other names: c.2237T>G, p.Phe746Cys (NM_001377277.1, NM_001377278.1, NM_001377279.1 and 1 more transcripts); short protein forms F746C.
Identifiers: ClinVar variation 1040970 (VCV001040970.8), dbSNP rs377252087, ClinGen allele CA5950231.
Genomic context (GRCh38, chr11:36,575,541, plus strand): 5'-CAGTCTACATTTGTACTCTTTGTGATGCCACCCGTCTGGAAGCCTCTCAAAATCTTGTCT[T>G]CCACTCTATAACCAGAAGCCATGCTGAGAACCTGGAACGTTATGAGGTCTGGCGTTCCAA-3'
Protein context (NP_000439.2, residues 736-756): TRLEASQNLV[Phe746Cys]HSITRSHAEN